The following is an entry in ClinVar:

NM_014425.5(INVS):c.3185A>G (p.Lys1062Arg)

Gene: INVS (inversin; plus strand). Cytogenetic location: 9q31.1.
Variant type: single nucleotide variant.
Coding change: c.3185A>G on transcript NM_014425.5 (MANE Select); coding-DNA position 3185, A replaced by G.
Protein change: p.Lys1062Arg; replaces lysine 1062 with arginine.
Molecular consequence: missense variant. On other transcripts: non-coding transcript variant (1).
Genome position (GRCh38, 1-based): chr9:100,300,661, A>G. VCF-style: chr9-100300661-A-G. GRCh37 (hg19) VCF-style: chr9-103062943-A-G.
Other names: c.2897A>G, p.Lys966Arg (NM_001318381.2); c.2207A>G, p.Lys736Arg (NM_001318382.2); short protein forms K1062R, K736R, K966R.
Identifiers: ClinVar variation 1361800 (VCV001361800.8), dbSNP rs758703044, ClinGen allele CA374245844.

ClinVar aggregate classification (germline): Uncertain significance (1 of 4 stars; one submission).

Conditions:
Nephronophthisis. Also called: Juvenile Nephronophthisis. Identifiers: Orphanet 655, MedGen C0687120, MONDO:0019005, HP:0000090.

gnomAD v4.1: 3 of 1,612,076 alleles (0.00019%); highest among the groups gnomAD compares: African/African-American, 0.004%; no homozygotes.

Submission:

Labcorp Genetics (formerly Invitae), Labcorp
Classification: Uncertain significance for Nephronophthisis. Last evaluated: 2021-06-16. Review status: criteria provided, single submitter. Criteria: Invitae Variant Classification Sherloc (09022015). Collection method: clinical testing. Allele origin: germline.
Comment: This sequence change replaces lysine with arginine at codon 1062 of the INVS protein (p.Lys1062Arg). The lysine residue is highly conserved and there is a small physicochemical difference between lysine and arginine. This variant is not present in population databases (ExAC no frequency). This variant has not been reported in the literature in individuals with INVS-related conditions. Algorithms developed to predict the effect of missense changes on protein structure and function are either unavailable or do not agree on the potential impact of this missense change (SIFT: "Deleterious"; PolyPhen-2: "Benign"; Align-GVGD: "Class C0"). In summary, the available evidence is currently insufficient to determine the role of this variant in disease. Therefore, it has been classified as a Variant of Uncertain Significance.